The following is an entry in ClinVar:

ClinVar aggregate classification (germline): Uncertain significance (1 of 4 stars; one submission).

Submission:

Labcorp Genetics (formerly Invitae), Labcorp
Classification: Uncertain significance. Last evaluated: 2024-08-26. Review status: criteria provided, single submitter. Criteria: Invitae Variant Classification Sherloc (09022015). Collection method: clinical testing. Allele origin: germline.
Comment: This sequence change replaces proline, which is neutral and non-polar, with arginine, which is basic and polar, at codon 462 of the SLC12A2 protein (p.Pro462Arg). This variant is not present in population databases (gnomAD no frequency). This variant has not been reported in the literature in individuals affected with SLC12A2-related conditions. Invitae Evidence Modeling of protein sequence and biophysical properties (such as structural, functional, and spatial information, amino acid conservation, physicochemical variation, residue mobility, and thermodynamic stability) indicates that this missense variant is not expected to disrupt SLC12A2 protein function with a negative predictive value of 80%. In summary, the available evidence is currently insufficient to determine the role of this variant in disease. Therefore, it has been classified as a Variant of Uncertain Significance.

NM_001046.3(SLC12A2):c.1385C>G (p.Pro462Arg)

Gene: SLC12A2 (solute carrier family 12 member 2; plus strand). Cytogenetic location: 5q23.3.
Variant type: single nucleotide variant.
Coding change: c.1385C>G on transcript NM_001046.3 (MANE Select); coding-DNA position 1385, C replaced by G.
Protein change: p.Pro462Arg; replaces proline 462 with arginine.
Molecular consequence: missense variant. On other transcripts: non-coding transcript variant (1).
Genome position (GRCh38, 1-based): chr5:128,135,785, C>G. VCF-style: chr5-128135785-C-G. GRCh37 (hg19) VCF-style: chr5-127471477-C-G.
Other names: c.1385C>G, p.Pro462Arg (NM_001256461.2); short protein forms P462R.
Identifiers: ClinVar variation 3663397 (VCV003663397.2).